The following is an entry in ClinVar:

NM_001379500.1(COL18A1):c.1782_1790del (p.594PGP[3])

Gene: COL18A1 (collagen type XVIII alpha 1 chain; plus strand). Cytogenetic location: 21q22.3.
Variant type: Deletion.
Coding change: c.1782_1790del on transcript NM_001379500.1 (MANE Select); coding-DNA positions 1782 to 1790, 9 bases deleted (AGGCCCCCC; older notation c.1782_1790delAGGCCCCCC).
Protein change: p.594PGP[3].
Molecular consequence: inframe deletion.
Genome position (GRCh38, 1-based): chr21:45,486,941-45,486,949, AGGCCCCCC deleted; deleting any 9 consecutive bases within chr21:45,486,939-45,486,949 gives the same sequence; the c. name uses the placement nearest the transcript's 3' end. VCF-style (leftmost placement, unchanged base first): chr21-45486938-ACCAGGCCCC-A. GRCh37 (hg19) VCF-style: chr21-46906852-ACCAGGCCCC-A.
Other names: c.2322_2330del, p.774PGP[3] (NM_030582.4); c.3027_3035del, p.1009PGP[3] (NM_130444.3); c.2322_2330del9 (NM_030582.3).
Identifiers: ClinVar variation 1619314 (VCV001619314.10), dbSNP rs542176313, ClinGen allele CA10066535.
Genomic context (GRCh38, chr21:45,486,938, plus strand): 5'-CGGTCCTGCTGGTGCTCGTGGGGAGAGCGGCCTGGCAGGAGCCCCCGGACCTGCTGGACC[ACCAGGCCCC>A]CCTGGGCCCCCTGGGCCCCCAGGACCAGGACTCCCCGCTGGATTTGTGAGTACCGCCTAC-3'

ClinVar aggregate classification (germline): Likely benign. Review status: criteria provided, multiple submitters, no conflicts (2 of 4 stars). 3 submissions from 3 submitters: Likely benign (3). Last evaluated 2025-10-13.

Conditions:
COL18A1-related disorder. Also called: COL18A1-related disorders; COL18A1-related condition.

Submissions (3):

Labcorp Genetics (formerly Invitae), Labcorp
Classification: Likely benign. Last evaluated: 2025-10-13. Review status: criteria provided, single submitter. Criteria: Invitae Variant Classification Sherloc (09022015). Collection method: clinical testing. Allele origin: germline.

PreventionGenetics, part of Exact Sciences
Classification: Likely benign for COL18A1-related condition. Last evaluated: 2024-11-07. Review status: criteria provided, single submitter. Criteria: ACMG Guidelines, 2015. Collection method: clinical testing. Allele origin: germline.
Comment: This variant is classified as likely benign based on ACMG/AMP sequence variant interpretation guidelines (Richards et al. 2015 PMID: 25741868, with internal and published modifications).

Blueprint Genetics
Classification: Likely benign. Last evaluated: 2024-10-08. Review status: criteria provided, single submitter. Criteria: ACMG Guidelines, 2015. Collection method: clinical testing. Allele origin: germline.